The following is an entry in ClinVar:

NM_001111.5(ADAR):c.785C>T (p.Pro262Leu)

Gene: ADAR (adenosine deaminase RNA specific; minus strand). Cytogenetic location: 1q21.3.
Variant type: single nucleotide variant.
Coding change: c.785C>T on transcript NM_001111.5 (MANE Select); coding-DNA position 785, C replaced by T.
Protein change: p.Pro262Leu; replaces proline 262 with leucine.
Molecular consequence: missense variant. On other transcripts: 5 prime UTR variant (6).
Genome position (GRCh38, 1-based): chr1:154,601,857, G>A on the plus strand (C>T on the coding strand, the complement: ADAR is on the minus strand). VCF-style: chr1-154601857-G-A. GRCh37 (hg19) VCF-style: chr1-154574333-G-A.
Other names: c.-101C>T (NM_001025107.3, NM_001193495.2, NM_001365046.1 and 3 more transcripts); c.812C>T, p.Pro271Leu (NM_001365045.1); c.785C>T, p.Pro262Leu (NM_015840.4, NM_015841.4); c.785C>T (NM_001111.4); short protein forms P271L, P262L.
Identifiers: ClinVar variation 2091081 (VCV002091081.5), dbSNP rs2526659061, ClinGen allele CA342600015.

ClinVar aggregate classification (germline): Uncertain significance. Review status: criteria provided, multiple submitters, no conflicts (2 of 4 stars). 2 submissions from 2 submitters: Uncertain significance (2). Last evaluated 2025-06-10.

Conditions:
Inborn genetic diseases. Identifiers: MedGen C0950123, MeSH D030342.
Symmetrical dyschromatosis of extremities (DSH). Also called: RETICULATE ACROPIGMENTATION OF DOHI; SYMMETRIC DYSCHROMATOSIS OF THE EXTREMITIES; Dyschromatosis symmetrica hereditaria; DYSCHROMATOSIS SYMMETRICA HEREDITARIA 1. Identifiers: Orphanet 41, MedGen C0406775, MONDO:0007483, OMIM 127400.
Aicardi-Goutieres syndrome 6 (AGS6). Identifiers: Orphanet 51, MedGen C3539013, MONDO:0014007, OMIM 615010.

Submissions (2):

Ambry Genetics
Classification: Uncertain significance for Inborn genetic diseases. Last evaluated: 2025-06-10. Review status: criteria provided, single submitter. Criteria: Ambry Variant Classification Scheme 2023. Collection method: clinical testing. Allele origin: germline.

Labcorp Genetics (formerly Invitae), Labcorp
Classification: Uncertain significance for Aicardi-Goutieres syndrome 6; Symmetrical dyschromatosis of extremities. Last evaluated: 2022-06-09. Review status: criteria provided, single submitter. Criteria: Invitae Variant Classification Sherloc (09022015). Collection method: clinical testing. Allele origin: germline.
Comment: This sequence change replaces proline, which is neutral and non-polar, with leucine, which is neutral and non-polar, at codon 262 of the ADAR protein (p.Pro262Leu). This variant is not present in population databases (gnomAD no frequency). This variant has not been reported in the literature in individuals affected with ADAR-related conditions. Algorithms developed to predict the effect of missense changes on protein structure and function are either unavailable or do not agree on the potential impact of this missense change (SIFT: "Tolerated"; PolyPhen-2: "Not Available"; Align-GVGD: "Class C0"). In summary, the available evidence is currently insufficient to determine the role of this variant in disease. Therefore, it has been classified as a Variant of Uncertain Significance.